The following is an entry in ClinVar:

NM_144997.7(FLCN):c.1199T>C (p.Val400Ala)

Gene: FLCN (folliculin; minus strand). Cytogenetic location: 17p11.2.
Variant type: single nucleotide variant.
Coding change: c.1199T>C on transcript NM_144997.7 (MANE Select); coding-DNA position 1199, T replaced by C.
Protein change: p.Val400Ala; replaces valine 400 with alanine.
Molecular consequence: missense variant.
Genome position (GRCh38, 1-based): chr17:17,216,481, A>G on the plus strand (T>C on the coding strand, the complement: FLCN is on the minus strand). VCF-style: chr17-17216481-A-G. GRCh37 (hg19) VCF-style: chr17-17119795-A-G.
Other names: c.1199T>C (LRG_325t1); c.1253T>C, p.Val418Ala (NM_001353229.2); c.1199T>C, p.Val400Ala (NM_001353230.2, NM_001353231.2); short protein forms V400A, V418A.
Identifiers: ClinVar variation 565465 (VCV000565465.19), dbSNP rs760079073, ClinGen allele CA8416097.

ClinVar aggregate classification (germline): Conflicting classifications of pathogenicity. Review status: criteria provided, conflicting classifications (1 of 4 stars). 5 submissions from 5 submitters: Uncertain significance (3); Likely benign (2). Last evaluated 2026-08-15.

Conditions:
Birt-Hogg-Dube syndrome. Also called: Birt Hogg Dubé syndrome. Identifiers: Orphanet 122, MedGen C0346010, MONDO:0800444.
Birt-Hogg-Dube syndrome 1 (BHD1). Also called: FIBROFOLLICULOMAS WITH TRICHODISCOMAS AND ACROCHORDONS. Identifiers: Orphanet 122, MedGen CN375946, MONDO:0800445, OMIM 135150.
FLCN-related disorder. Also called: FLCN-related condition.
Hereditary cancer-predisposing syndrome. Also called: Neoplastic Syndromes, Hereditary; Tumor predisposition; Hereditary Cancer Syndrome; Hereditary neoplastic syndrome. Identifiers: Orphanet 140162, MedGen C0027672, MeSH D009386, MONDO:0015356.

Allele frequency attached by ClinVar (database versions not stated): gnomAD 0.00001; TOPMed 0.00001; gnomAD exomes 0.00002 and 0.00005; ExAC 0.00003.
gnomAD v4.1: 70 of 1,613,682 alleles (0.0043%); highest among the groups gnomAD compares: Non-Finnish European, 0.0055%; no homozygotes.

Submissions (5):

PreventionGenetics, part of Exact Sciences
Classification: Uncertain significance for FLCN-related condition. Last evaluated: 2026-08-15. Review status: criteria provided, single submitter. Criteria: ACMG Guidelines, 2015. Collection method: clinical testing. Allele origin: germline.
Comment: The FLCN c.1199T>C variant is predicted to result in the amino acid substitution p.Val400Ala. To our knowledge, this variant has not been reported in the literature in individuals affected with FLCN-related disorders. This variant is reported in 0.0040% of alleles in individuals of African descent in gnomAD and has conflicting interpretations in ClinVar, ranging from uncertain to likely benign (Variation ID: 565465). At this time, the clinical significance of this variant is uncertain due to the absence of conclusive functional and genetic evidence.

Labcorp Genetics (formerly Invitae), Labcorp
Classification: Uncertain significance for Birt-Hogg-Dube syndrome. Last evaluated: 2025-10-01. Review status: criteria provided, single submitter. Criteria: Invitae Variant Classification Sherloc (09022015). Collection method: clinical testing. Allele origin: germline.
Comment: This sequence change replaces valine, which is neutral and non-polar, with alanine, which is neutral and non-polar, at codon 400 of the FLCN protein (p.Val400Ala). This variant is present in population databases (rs760079073, gnomAD 0.004%). This missense change has been observed in individual(s) with breast cancer (PMID: 36315513). ClinVar contains an entry for this variant (Variation ID: 565465). Invitae Evidence Modeling of protein sequence and biophysical properties (such as structural, functional, and spatial information, amino acid conservation, physicochemical variation, residue mobility, and thermodynamic stability) indicates that this missense variant is not expected to disrupt FLCN protein function with a negative predictive value of 80%. In summary, the available evidence is currently insufficient to determine the role of this variant in disease. Therefore, it has been classified as a Variant of Uncertain Significance.

Myriad Genetics, Inc.
Classification: Likely benign for Birt-Hogg-Dube syndrome 1. Last evaluated: 2024-10-24. Review status: criteria provided, single submitter. Criteria: Myriad Autosomal Dominant, Autosomal Recessive and X-Linked Classification Criteria (2023). Collection method: clinical testing. Allele origin: unknown.
Comment: This variant is considered likely benign. This variant has been observed at a population frequency that is significantly greater than expected given the associated disease prevalence and penetrance.

Baylor Genetics
Classification: Uncertain significance for Birt-Hogg-Dube syndrome 1. Last evaluated: 2023-10-27. Review status: criteria provided, single submitter. Criteria: ACMG Guidelines, 2015. Collection method: clinical testing. Allele origin: unknown.

Ambry Genetics
Classification: Likely benign for Hereditary cancer-predisposing syndrome. Last evaluated: 2022-10-18. Review status: criteria provided, single submitter. Criteria: Ambry Variant Classification Scheme 2023. Collection method: clinical testing. Allele origin: germline.

Literature cited by the submitters: PubMed 36315513 (cited by Labcorp Genetics (formerly Invitae), Labcorp); PubMed 29641532 (cited by Ambry Genetics).